The following is an entry in ClinVar:

NM_000075.4(CDK4):c.867T>C (p.Ala289=)

Genes: CDK4 (cyclin dependent kinase 4; minus strand), TSPAN31 (tetraspanin 31; plus strand). Cytogenetic location: 12q14.1.
Variant type: single nucleotide variant.
Coding change: c.867T>C on transcript NM_000075.4 (MANE Select); coding-DNA position 867, T replaced by C.
Protein change: p.Ala289=; no amino-acid change (alanine 289 retained).
Molecular consequence: synonymous variant. On other transcripts: 3 prime UTR variant (3).
Genome position (GRCh38, 1-based): chr12:57,748,570, A>G on the plus strand (T>C on the coding strand, the complement: CDK4 is on the minus strand). VCF-style: chr12-57748570-A-G. GRCh37 (hg19) VCF-style: chr12-58142353-A-G.
Other names: c.*1280A>G (NM_001330168.2, NM_001330169.2, NM_005981.5).
Identifiers: ClinVar variation 3379264 (VCV003379264.1).

ClinVar aggregate classification (germline): Benign (1 of 4 stars; one submission).

Conditions:
Melanoma, cutaneous malignant, susceptibility to, 3. Also called: Cutaneous malignant melanoma 3. Identifiers: Orphanet 618, MedGen C1836892, MONDO:0012183, OMIM 609048.

Submission:

Myriad Genetics, Inc.
Classification: Benign for Melanoma, cutaneous malignant, susceptibility to, 3. Last evaluated: 2024-09-27. Review status: criteria provided, single submitter. Criteria: Myriad Autosomal Dominant, Autosomal Recessive and X-Linked Classification Criteria (2023). Collection method: clinical testing. Allele origin: unknown.
Comment: This variant is considered benign. This variant is a silent/synonymous amino acid change and it is not expected to impact splicing.